The following is an entry in ClinVar:

ClinVar aggregate classification (germline): Conflicting classifications of pathogenicity. Review status: criteria provided, conflicting classifications (1 of 4 stars). 3 submissions from 3 submitters: Uncertain significance (2); Likely benign (1). Last evaluated 2025-12-28.

Conditions:
Neuronal ceroid lipofuscinosis 13 (CLN13). Also called: CLN13 Disease; CEROID LIPOFUSCINOSIS, NEURONAL, 13 (KUFS TYPE). Identifiers: Orphanet 352709, Orphanet 79262, MedGen C3715049, MONDO:0014147, OMIM 615362.

Allele frequency attached by ClinVar (database versions not stated): 1000 Genomes Project 30x 0.00016.
gnomAD v4.1: 113 of 1,315,514 alleles (0.0086%); highest among the groups gnomAD compares: Admixed American, 0.029%; no homozygotes.

Submissions (3):

Labcorp Genetics (formerly Invitae), Labcorp
Classification: Likely benign for Neuronal ceroid lipofuscinosis 13. Last evaluated: 2025-12-28. Review status: criteria provided, single submitter. Criteria: Invitae Variant Classification Sherloc (09022015). Collection method: clinical testing. Allele origin: germline.

GeneDx
Classification: Uncertain significance. Last evaluated: 2024-09-09. Review status: criteria provided, single submitter. Criteria: GeneDx Variant Classification Process June 2021. Collection method: clinical testing. Allele origin: germline. Affected: yes.
Comment: Not observed at significant frequency in large population cohorts (gnomAD); In silico analysis indicates that this variant does not alter splicing; Has not been previously published as pathogenic or benign to our knowledge

Center for Genomics, Ann and Robert H. Lurie Children's Hospital of Chicago
Classification: Uncertain significance for Neuronal ceroid lipofuscinosis 13. Last evaluated: 2022-07-22. Review status: criteria provided, single submitter. Criteria: ACMG Guidelines, 2015. Collection method: clinical testing. Allele origin: germline.
Comment: This variant has not been reported in the literature but is present in the Genome Aggregation Database (Highest reported MAF 0.01% (3/15270). This variant is present in ClinVar (Variation ID:1382735). Evolutionary conservation and computational predictive tools for this variant are limited or unavailable. Of note, this variant is a silent variant and does not change the amino acid, reducing the probability that this variant is disease causing. In summary, data on this variant is insufficient for disease classification. Therefore, the clinical significance of this variant is uncertain.

NM_003793.4(CTSF):c.160C>A (p.Arg54=)

Gene: CTSF (cathepsin F; minus strand). Cytogenetic location: 11q13.2.
Variant type: single nucleotide variant.
Coding change: c.160C>A on transcript NM_003793.4 (MANE Select); coding-DNA position 160, C replaced by A.
Protein change: p.Arg54=; no amino-acid change (arginine 54 retained).
Molecular consequence: synonymous variant.
Genome position (GRCh38, 1-based): chr11:66,568,327, G>T on the plus strand (C>A on the coding strand, the complement: CTSF is on the minus strand). VCF-style: chr11-66568327-G-T. GRCh37 (hg19) VCF-style: chr11-66335798-G-T.
Other names: c.160C>A (NM_003793.3).
Identifiers: ClinVar variation 1382735 (VCV001382735.9), dbSNP rs776443007, ClinGen allele CA224083365.